The following is an entry in ClinVar:

ClinVar aggregate classification (germline): Uncertain significance (1 of 4 stars; one submission).

Submission:

GeneDx
Classification: Uncertain significance. Last evaluated: 2023-03-28. Review status: criteria provided, single submitter. Criteria: GeneDx Variant Classification Process June 2021. Collection method: clinical testing. Allele origin: germline. Affected: yes.
Comment: Not observed at significant frequency in large population cohorts (gnomAD); In silico analysis supports that this missense variant has a deleterious effect on protein structure/function; Has not been previously published as pathogenic or benign to our knowledge

NM_001374353.1(GLI2):c.3032C>T (p.Pro1011Leu)

Gene: GLI2 (GLI family zinc finger 2; plus strand). Cytogenetic location: 2q14.2.
Variant type: single nucleotide variant.
Coding change: c.3032C>T on transcript NM_001374353.1 (MANE Select); coding-DNA position 3032, C replaced by T.
Protein change: p.Pro1011Leu; replaces proline 1011 with leucine.
Molecular consequence: missense variant.
Genome position (GRCh38, 1-based): chr2:120,988,997, C>T. VCF-style: chr2-120988997-C-T. GRCh37 (hg19) VCF-style: chr2-121746573-C-T.
Other names: c.3083C>T, p.Pro1028Leu (NM_001371271.1, NM_005270.5); c.2657C>T, p.Pro886Leu (NM_001374354.1); short protein forms P1011L, P1028L, P886L.
Identifiers: ClinVar variation 2581913 (VCV002581913.1), dbSNP rs2467774316, ClinGen allele CA348171084.